The following is an entry in ClinVar:

ClinVar aggregate classification (germline): Benign (1 of 4 stars; one submission).

Conditions:
Pseudohypoparathyroidism type 1B (PHP1B). Also called: Pseudohypoparathyroidism Ib (PHP-Ib); Pseudohypoparathyroidism Type IB; PHP IB. Identifiers: Orphanet 94089, MedGen C1864100, MONDO:0011301, OMIM 603233.

Allele frequency attached by ClinVar (database versions not stated): TOPMed 0.00071; 1000 Genomes Project 0.00100; 1000 Genomes Project 30x 0.00125; gnomAD 0.00068 and 0.00070.

Submission:

Illumina Laboratory Services, Illumina
Classification: Benign for Pseudohypoparathyroidism type 1B. Last evaluated: 2018-01-13. Review status: criteria provided, single submitter. Criteria: ICSL Variant Classification Criteria 13 December 2019. Collection method: clinical testing. Allele origin: germline.
Comment: This variant was observed in the ICSL laboratory as part of a predisposition screen in an ostensibly healthy population. It had not been previously curated by ICSL or reported in the Human Gene Mutation Database (HGMD: prior to June 1st, 2018), and was therefore a candidate for classification through an automated scoring system. Utilizing variant allele frequency, disease prevalence and penetrance estimates, and inheritance mode, an automated score was calculated to assess if this variant is too frequent to cause the disease. Based on the score and internal cut-off values, a variant classified as benign is not then subjected to further curation. The score for this variant resulted in a classification of benign for this disease.

NM_001001433.3(STX16):c.*1886T>C

Genes: STX16 (syntaxin 16; plus strand), STX16-NPEPL1 (STX16-NPEPL1 readthrough (NMD candidate); plus strand). Cytogenetic location: 20q13.32.
Variant type: single nucleotide variant.
Coding change: c.*1886T>C on transcript NM_001001433.3 (MANE Select); 1886 bases downstream of the stop codon, T replaced by C.
Molecular consequence: 3 prime UTR variant. On other transcripts: non-coding transcript variant (3).
Genome position (GRCh38, 1-based): chr20:58,678,177, T>C. VCF-style: chr20-58678177-T-C. GRCh37 (hg19) VCF-style: chr20-57253233-T-C.
Other names: c.*1886T>C (NM_001134772.3, NM_001134773.3, NM_001204868.2 and 1 more transcripts).
Identifiers: ClinVar variation 897434 (VCV000897434.4), dbSNP rs150647186, ClinGen allele CA316313856.